The following is an entry in ClinVar:

NM_001369.3(DNAH5):c.5026G>T (p.Val1676Phe)

Gene: DNAH5 (dynein axonemal heavy chain 5; minus strand). Cytogenetic location: 5p15.2.
Variant type: single nucleotide variant.
Coding change: c.5026G>T on transcript NM_001369.3 (MANE Select); coding-DNA position 5026, G replaced by T.
Protein change: p.Val1676Phe; replaces valine 1676 with phenylalanine.
Molecular consequence: missense variant.
Genome position (GRCh38, 1-based): chr5:13,850,740, C>A on the plus strand (G>T on the coding strand, the complement: DNAH5 is on the minus strand). VCF-style: chr5-13850740-C-A. GRCh37 (hg19) VCF-style: chr5-13850849-C-A.
Other names: short protein forms V1676F.
Identifiers: ClinVar variation 4705600 (VCV004705600.1).
Genomic context (GRCh38, chr5:13,850,740, plus strand): 5'-ACTGGTCCAGCAAGTGTGGTAACAGCTGCCCCAGGGTCTCATCTCCAACACAGCACTGGA[C>A]TACACTGGGCACTTCATGTGCCCGAGTCATGATCTTCACCCAAGATTTATCTATGTTAGA-3'
Protein context (NP_001360.1, residues 1666-1686): MTRAHEVPSV[Val1676Phe]QCCVGDETLG

ClinVar aggregate classification (germline): Uncertain significance (1 of 4 stars; one submission).

Conditions:
Primary ciliary dyskinesia. Also called: Ciliary dyskinesia. Identifiers: Orphanet 244, MedGen C0008780, MONDO:0016575, HP:0012265.

Submission:

Labcorp Genetics (formerly Invitae), Labcorp
Classification: Uncertain significance for Primary ciliary dyskinesia. Last evaluated: 2025-12-01. Review status: criteria provided, single submitter. Criteria: Invitae Variant Classification Sherloc (09022015). Collection method: clinical testing. Allele origin: germline.
Comment: This sequence change replaces valine, which is neutral and non-polar, with phenylalanine, which is neutral and non-polar, at codon 1676 of the DNAH5 protein (p.Val1676Phe). This variant is not present in population databases (gnomAD no frequency). This variant has not been reported in the literature in individuals affected with DNAH5-related conditions. Invitae Evidence Modeling of protein sequence and biophysical properties (such as structural, functional, and spatial information, amino acid conservation, physicochemical variation, residue mobility, and thermodynamic stability) indicates that this missense variant is not expected to disrupt DNAH5 protein function with a negative predictive value of 95%. In summary, the available evidence is currently insufficient to determine the role of this variant in disease. Therefore, it has been classified as a Variant of Uncertain Significance.